The following is an entry in ClinVar:

NM_000552.5(VWF):c.3517T>C (p.Cys1173Arg)

Gene: VWF (von Willebrand factor; minus strand). Cytogenetic location: 12p13.31.
Variant type: single nucleotide variant.
Coding change: c.3517T>C on transcript NM_000552.5 (MANE Select); coding-DNA position 3517, T replaced by C.
Protein change: p.Cys1173Arg; replaces cysteine 1173 with arginine.
Molecular consequence: missense variant.
Genome position (GRCh38, 1-based): chr12:6,022,761, A>G on the plus strand (T>C on the coding strand, the complement: VWF is on the minus strand). VCF-style: chr12-6022761-A-G. GRCh37 (hg19) VCF-style: chr12-6131927-A-G.
Other names: short protein forms C1173R.
Identifiers: ClinVar variation 2664814 (VCV002664814.1), dbSNP rs2497525991, ClinGen allele CA383511192.

ClinVar aggregate classification (germline): Uncertain significance (1 of 4 stars; one submission).

Conditions:
von Willebrand disease type 2 (VWD2). Also called: VON WILLEBRAND DISEASE, TYPE 2A/IIE; VON WILLEBRAND DISEASE, TYPE 2CB; VON WILLEBRAND DISEASE, TYPE II; VWD, TYPE 2. Identifiers: Orphanet 166081, Orphanet 903, MedGen C1264040, MONDO:0013304, OMIM 613554.

Submission:

Genetics and Molecular Pathology, SA Pathology
Classification: Uncertain significance for von Willebrand disease type 2. Last evaluated: 2023-07-17. Review status: criteria provided, single submitter. Criteria: ACMG Guidelines, 2015. Collection method: clinical testing. Allele origin: germline. Affected: yes.
Comment: The VWF c.3517T>C variant is classified as VUS (PS4_Supporting, PM2, PP3, PP4) The VWF c.3517T>C variant is a single nucleotide change in exon 26/52 of the VWF gene, which is predicted to change the amino acid cysteine at position 1173 in the protein to arginine. This variant has been reported in an individual presenting with VWD 2A (PMID: 20351307) (PS4_Supporting) and is absent from population databases (PM2). Computational predictions support a deleterious effect on the gene or gene product (REVEL score = 0.966 (PP3). This variant is a missense change at an amino acid residue where a different missense change (p.Cys1173Phe) has been reported. The clinical features of this case are specific for the VWF gene, with little overlap with other clinical presentations (PP4). The variant has been reported in the HGMD database: CM103482. It has not been reported in dbSNP or ClinVar.

Literature cited by the submitters: PubMed 20351307.